The following is an entry in ClinVar:

ClinVar aggregate classification (germline): Likely pathogenic (1 of 4 stars; one submission).

Conditions:
IL11RA-related disorder. Also called: IL11RA-related condition.

Submission:

PreventionGenetics, part of Exact Sciences
Classification: Likely pathogenic for IL11RA-related condition. Last evaluated: 2023-05-03. Review status: criteria provided, single submitter. Criteria: ACMG Guidelines, 2015. Collection method: clinical testing. Allele origin: germline.
Comment: The IL11RA c.162-2A>T variant is predicted to disrupt the AG splice acceptor site and interfere with normal splicing. To our knowledge, this variant has not been reported in the literature or in a large population database, indicating this variant is rare. Variants that disrupt the consensus splice acceptor site in IL11RA are expected to be pathogenic. This variant is interpreted as likely pathogenic.

NM_001142784.3(IL11RA):c.162-2A>T

Gene: IL11RA (interleukin 11 receptor subunit alpha; plus strand). Cytogenetic location: 9p13.3.
Variant type: single nucleotide variant.
Coding change: c.162-2A>T on transcript NM_001142784.3 (MANE Select); the canonical splice acceptor site of the intron before coding-DNA position 162, A replaced by T.
Molecular consequence: splice acceptor variant.
Genome position (GRCh38, 1-based): chr9:34,656,737, A>T. VCF-style: chr9-34656737-A-T. GRCh37 (hg19) VCF-style: chr9-34656734-A-T.
Identifiers: ClinVar variation 2633279 (VCV002633279.1), dbSNP rs1821349181, ClinGen allele CA373286274.